The following is an entry in ClinVar:

ClinVar aggregate classification (germline): Uncertain significance (1 of 4 stars; one submission).

Submission:

Athena Diagnostics
Classification: Uncertain significance. Last evaluated: 2024-04-23. Review status: criteria provided, single submitter. Criteria: Athena Diagnostics Criteria. Collection method: clinical testing. Allele origin: unknown.
Comment: Available data are insufficient to determine the clinical significance of the variant at this time. This variant has not been reported in large, multi-ethnic general populations. Polyphen and MutationTaster yielded discordant predictions regarding whether this amino acid change is damaging to the protein.

Literature cited by the submitters: PubMed 32027066.

NM_000352.6(ABCC8):c.635A>G (p.Asp212Gly)

Gene: ABCC8 (ATP binding cassette subfamily C member 8; minus strand). Cytogenetic location: 11p15.1.
Variant type: single nucleotide variant.
Coding change: c.635A>G on transcript NM_000352.6 (MANE Select); coding-DNA position 635, A replaced by G.
Protein change: p.Asp212Gly; replaces aspartic acid 212 with glycine.
Molecular consequence: missense variant. On other transcripts: non-coding transcript variant (1).
Genome position (GRCh38, 1-based): chr11:17,461,770, T>C on the plus strand (A>G on the coding strand, the complement: ABCC8 is on the minus strand). VCF-style: chr11-17461770-T-C. GRCh37 (hg19) VCF-style: chr11-17483317-T-C.
Other names: c.635A>G, p.Asp212Gly (NM_001287174.3, NM_001351295.2, NM_001351296.2 and 1 more transcripts); short protein forms D212G.
Identifiers: ClinVar variation 3571673 (VCV003571673.1).